The following is an entry in ClinVar:

ClinVar aggregate classification (germline): Uncertain significance (0 of 4 stars; one submission).

Conditions:
ANO10-related disorder. Also called: ANO10-related condition.

gnomAD v4.1: 9 of 1,614,062 alleles (0.00056%); highest among the groups gnomAD compares: Non-Finnish European, 0.00076%; no homozygotes.

Submission:

PreventionGenetics, part of Exact Sciences
Classification: Uncertain significance for ANO10-related condition. Last evaluated: 2024-08-12. Review status: no assertion criteria provided. Collection method: clinical testing. Allele origin: germline.
Comment: The ANO10 c.815G>C variant is predicted to result in the amino acid substitution p.Trp272Ser. This variant has been documented in the compound heterozygous state in a patient with adult-onset ataxia (Patient 5 in Nanetti et al. 2019. PubMed ID: 30515630). This variant is reported in 0.00088% of alleles in individuals of European (Non-Finnish) descent in gnomAD. At this time, the clinical significance of this variant is uncertain due to the absence of conclusive functional and genetic evidence.

NM_018075.5(ANO10):c.815G>C (p.Trp272Ser)

Gene: ANO10 (anoctamin 10; minus strand). Cytogenetic location: 3p22.1.
Variant type: single nucleotide variant.
Coding change: c.815G>C on transcript NM_018075.5 (MANE Select); coding-DNA position 815, G replaced by C.
Protein change: p.Trp272Ser; replaces tryptophan 272 with serine.
Molecular consequence: missense variant. On other transcripts: intron variant (1).
Genome position (GRCh38, 1-based): chr3:43,577,039, C>G on the plus strand (G>C on the coding strand, the complement: ANO10 is on the minus strand). VCF-style: chr3-43577039-C-G. GRCh37 (hg19) VCF-style: chr3-43618531-C-G.
Other names: c.815G>C, p.Trp272Ser (NM_001204831.3, NM_001346463.2, NM_001346464.2 and 3 more transcripts); c.617G>C, p.Trp206Ser (NM_001204832.3, NM_001346466.2, NM_001346469.2); c.482G>C, p.Trp161Ser (NM_001204833.3); c.593-2175G>C (NM_001204834.3); short protein forms W161S, W206S, W272S.
Identifiers: ClinVar variation 3356558 (VCV003356558.1).